The following is an entry in ClinVar:

ClinVar aggregate classification (germline): Conflicting classifications of pathogenicity. Review status: criteria provided, conflicting classifications (1 of 4 stars). 7 submissions from 7 submitters: Uncertain significance (6); Likely benign (1). Last evaluated 2024-12-23.

Conditions:
SYNE1-related disorder. Also called: SYNE1-related disease; SYNE1-related condition; SYNE1-related disorders.
Emery-Dreifuss muscular dystrophy 4, autosomal dominant (EDMD4). Also called: EMERY-DREIFUSS MUSCULAR DYSTROPHY 4 WITH VARIABLE FEATURES. Identifiers: Orphanet 261, MedGen C2751807, MONDO:0013071, OMIM 612998.
Autosomal recessive ataxia, Beauce type. Also called: SYNE1 Deficiency; SYNE1-Related Autosomal Recessive Cerebellar Ataxia; ATAXIA, RECESSIVE, OF BEAUCE; Spinocerebellar ataxia, autosomal recessive 8. Identifiers: Orphanet 88644, MedGen C1853116, MONDO:0012549, OMIM 610743.

Allele frequency attached by ClinVar (database versions not stated): TOPMed 0.00010; gnomAD 0.00011 and 0.00013.
gnomAD v4.1: 206 of 1,614,220 alleles (0.013%); highest among the groups gnomAD compares: Middle Eastern, 0.049%; no homozygotes.

Submissions (7):

Athena Diagnostics
Classification: Uncertain significance. Last evaluated: 2024-12-23. Review status: criteria provided, single submitter. Criteria: Athena Diagnostics Criteria. Collection method: clinical testing. Allele origin: unknown.
Comment: Available data are insufficient to determine the clinical significance of the variant at this time. The frequency of this variant in the general population is uninformative in assessment of its pathogenicity. Computational tools predict that this variant is not damaging.

PreventionGenetics, part of Exact Sciences
Classification: Uncertain significance for SYNE1-related condition. Last evaluated: 2024-10-30. Review status: criteria provided, single submitter. Criteria: ACMG Guidelines, 2015. Collection method: clinical testing. Allele origin: germline.
Comment: The SYNE1 c.8839C>G variant is predicted to result in the amino acid substitution p.Leu2947Val. To our knowledge, this variant has not been reported in the literature. This variant is reported in 0.018% of alleles in individuals of European (non-Finnish) descent in gnomAD. At this time, the clinical significance of this variant is uncertain due to the absence of conclusive functional and genetic evidence.

CeGaT Center for Human Genetics Tuebingen
Classification: Likely benign. Last evaluated: 2024-09-01. Review status: criteria provided, single submitter. Criteria: CeGaT Center For Human Genetics Tuebingen Variant Classification Criteria Version 2. Collection method: clinical testing. Allele origin: germline. Affected: yes. Observed: 1 variant allele.
Comment: SYNE1: BP4

GeneDx
Classification: Uncertain significance. Last evaluated: 2024-08-13. Review status: criteria provided, single submitter. Criteria: GeneDx Variant Classification Process June 2021. Collection method: clinical testing. Allele origin: germline. Affected: yes.
Comment: Has not been previously published as pathogenic or benign to our knowledge; In silico analysis supports that this missense variant does not alter protein structure/function

Revvity Omics, Revvity
Classification: Uncertain significance. Last evaluated: 2023-04-20. Review status: criteria provided, single submitter. Criteria: ACMG Guidelines, 2015. Collection method: clinical testing. Allele origin: germline.

Labcorp Genetics (formerly Invitae), Labcorp
Classification: Uncertain significance for Emery-Dreifuss muscular dystrophy 4, autosomal dominant; Autosomal recessive ataxia, Beauce type. Last evaluated: 2022-10-17. Review status: criteria provided, single submitter. Criteria: Invitae Variant Classification Sherloc (09022015). Collection method: clinical testing. Allele origin: germline.
Comment: This sequence change replaces leucine, which is neutral and non-polar, with valine, which is neutral and non-polar, at codon 2954 of the SYNE1 protein (p.Leu2954Val). This variant is present in population databases (rs756300560, gnomAD 0.02%). This variant has not been reported in the literature in individuals affected with SYNE1-related conditions. ClinVar contains an entry for this variant (Variation ID: 284811). Algorithms developed to predict the effect of missense changes on protein structure and function (SIFT, PolyPhen-2, Align-GVGD) all suggest that this variant is likely to be tolerated. In summary, the available evidence is currently insufficient to determine the role of this variant in disease. Therefore, it has been classified as a Variant of Uncertain Significance.

Eurofins Ntd Llc (ga)
Classification: Uncertain significance. Last evaluated: 2017-03-28. Review status: criteria provided, single submitter. Criteria: EGL Classification Definitions 2015. Collection method: clinical testing. Allele origin: germline. Observed: 2 variant alleles, 2 heterozygotes.

NM_182961.4(SYNE1):c.8839C>G (p.Leu2947Val)

Genes: SYNE1-AS1 (SYNE1 antisense RNA 1; plus strand), SYNE1 (spectrin repeat containing nuclear envelope protein 1; minus strand). Cytogenetic location: 6q25.2.
Variant type: single nucleotide variant.
Coding change: c.8839C>G on transcript NM_182961.4 (MANE Select); coding-DNA position 8839, C replaced by G.
Protein change: p.Leu2947Val; replaces leucine 2947 with valine.
Molecular consequence: missense variant. On other transcripts: non-coding transcript variant (1).
Genome position (GRCh38, 1-based): chr6:152,381,176, G>C on the plus strand (C>G on the coding strand, the complement: SYNE1 is on the minus strand). VCF-style: chr6-152381176-G-C. GRCh37 (hg19) VCF-style: chr6-152702311-G-C.
Other names: c.8839C>G (NM_182961.3); c.8860C>G, p.Leu2954Val (NM_033071.5); short protein forms L2947V, L2954V.
Identifiers: ClinVar variation 284811 (VCV000284811.32), dbSNP rs756300560, ClinGen allele CA4057447.
Genomic context (GRCh38, chr6:152,381,176, plus strand): 5'-GCTCCAGTTGAGCCACTTGGCCTGAGAATTCCTGCTCCGAAAGGGCCATCTGGCTGACCA[G>C]GTTCTCCAAACAGCTCTGCGTTTGGAATACACTGTCTTCCCACTGCTTCCAGTCGGCACG-3'
Protein context (NP_892006.3, residues 2937-2957): VFQTQSCLEN[Leu2947Val]VSQMALSEQE